The following is an entry in ClinVar:

NM_144687.4(NLRP12):c.3128C>T (p.Thr1043Ile)

Gene: NLRP12 (NLR family pyrin domain containing 12; minus strand). Cytogenetic location: 19q13.42.
Variant type: single nucleotide variant.
Coding change: c.3128C>T on transcript NM_144687.4 (MANE Select); coding-DNA position 3128, C replaced by T.
Protein change: p.Thr1043Ile; replaces threonine 1043 with isoleucine.
Molecular consequence: missense variant.
Genome position (GRCh38, 1-based): chr19:53,794,107, G>A on the plus strand (C>T on the coding strand, the complement: NLRP12 is on the minus strand). VCF-style: chr19-53794107-G-A. GRCh37 (hg19) VCF-style: chr19-54297361-G-A.
Other names: c.3128C>T (NM_144687.2); c.3131C>T, p.Thr1044Ile (NM_001277126.2); c.2957C>T, p.Thr986Ile (NM_001277129.1); short protein forms T1043I, T986I, T1044I.
Identifiers: ClinVar variation 663725 (VCV000663725.14), dbSNP rs143874173, ClinGen allele CA9638754.
Genomic context (GRCh38, chr19:53,794,107, plus strand): 5'-ATTCAGCAGCCAATGTCCAAATAAGGTTTTGTTACTCGAAGCGCTGCCAACCTACTGTGG[G>A]TCATTTTATTCAGGTCCATCCCAAATAACCTGTGGACACAAGAGTTGATATTATTCCAGT-3'
Protein context (NP_653288.1, residues 1033-1053): WLFGMDLNKM[Thr1043Ile]HSRLAALRVT

ClinVar aggregate classification (germline): Conflicting classifications of pathogenicity. Review status: criteria provided, conflicting classifications (1 of 4 stars). 4 submissions from 4 submitters: Uncertain significance (3); Likely benign (1). Last evaluated 2025-07-06.

Conditions:
Familial cold autoinflammatory syndrome 2 (FCAS2). Identifiers: Orphanet 247868, MedGen C2673198, MONDO:0012724, OMIM 611762.
NLRP12-related disorder. Also called: NLRP12-related conditions; NLRP12-related condition.
Inborn genetic diseases. Identifiers: MedGen C0950123, MeSH D030342.

Allele frequency attached by ClinVar (database versions not stated): ExAC 0.00006; gnomAD 0.00011; TOPMed 0.00011; ESP Exome Variant Server 0.00015.
gnomAD v4.1: 53 of 1,613,630 alleles (0.0033%); highest among the groups gnomAD compares: African/African-American, 0.02%; no homozygotes.

Submissions (4):

Labcorp Genetics (formerly Invitae), Labcorp
Classification: Uncertain significance for Familial cold autoinflammatory syndrome 2. Last evaluated: 2025-07-06. Review status: criteria provided, single submitter. Criteria: Invitae Variant Classification Sherloc (09022015). Collection method: clinical testing. Allele origin: germline.
Comment: This sequence change replaces threonine, which is neutral and polar, with isoleucine, which is neutral and non-polar, at codon 1043 of the NLRP12 protein (p.Thr1043Ile). This variant is present in population databases (rs143874173, gnomAD 0.02%). This variant has not been reported in the literature in individuals affected with NLRP12-related conditions. ClinVar contains an entry for this variant (Variation ID: 663725). An algorithm developed to predict the effect of missense changes on protein structure and function (PolyPhen-2) suggests that this variant is likely to be disruptive. In summary, the available evidence is currently insufficient to determine the role of this variant in disease. Therefore, it has been classified as a Variant of Uncertain Significance.

Ambry Genetics
Classification: Uncertain significance for Inborn genetic diseases. Last evaluated: 2024-12-13. Review status: criteria provided, single submitter. Criteria: Ambry Variant Classification Scheme 2023. Collection method: clinical testing. Allele origin: germline.

Blueprint Genetics
Classification: Likely benign. Last evaluated: 2024-09-11. Review status: criteria provided, single submitter. Criteria: ACMG Guidelines, 2015. Collection method: clinical testing. Allele origin: germline.

PreventionGenetics, part of Exact Sciences
Classification: Uncertain significance for NLRP12-related condition. Last evaluated: 2023-03-20. Review status: criteria provided, single submitter. Criteria: ACMG Guidelines, 2015. Collection method: clinical testing. Allele origin: germline.
Comment: The NLRP12 c.3128C>T variant is predicted to result in the amino acid substitution p.Thr1043Ile. To our knowledge, this variant has not been reported in the literature. This variant is reported in 0.024% of alleles in individuals of African descent in gnomAD, which may be too common to be causative of disease. Although we suspect that this variant may be benign, at this time, the clinical significance of this variant is uncertain due to the absence of conclusive functional and genetic evidence.